The following is an entry in ClinVar:

NM_152383.5(DIS3L2):c.913A>G (p.Ile305Val)

Gene: DIS3L2 (DIS3 like 3'-5' exoribonuclease 2; plus strand). Cytogenetic location: 2q37.1.
Variant type: single nucleotide variant.
Coding change: c.913A>G on transcript NM_152383.5 (MANE Select); coding-DNA position 913, A replaced by G.
Protein change: p.Ile305Val; replaces isoleucine 305 with valine.
Molecular consequence: missense variant. On other transcripts: non-coding transcript variant (1).
Genome position (GRCh38, 1-based): chr2:232,136,682, A>G. VCF-style: chr2-232136682-A-G. GRCh37 (hg19) VCF-style: chr2-233001392-A-G.
Other names: c.913A>G, p.Ile305Val (NM_001257281.2); short protein forms I305V.
Identifiers: ClinVar variation 2175873 (VCV002175873.4), dbSNP rs1698367959, ClinGen allele CA351153864.
Genomic context (GRCh38, chr2:232,136,682, plus strand): 5'-TGTCCCCAGGACTTTGTGGCACGGCCTAAAGATTATGCCAACACACTGTTCATCTGCCGC[A>G]TTGTGGACTGGAAGGAGGACTGCAATTTTGCCCTGGGGTAGGTGATCTCTGGTAGGAAAA-3'
Protein context (NP_689596.4, residues 295-315): DYANTLFICR[Ile305Val]VDWKEDCNFA

ClinVar aggregate classification (germline): Uncertain significance (1 of 4 stars; one submission).

Conditions:
Perlman syndrome (PRLMNS). Identifiers: Orphanet 2849, MedGen C0796113, MONDO:0009965, OMIM 267000.

Allele frequency attached by ClinVar (database versions not stated): gnomAD exomes below 0.00001; TOPMed below 0.00001.
gnomAD v4.1: 1 of 1,613,870 alleles (0.000062%); highest among the groups gnomAD compares: Non-Finnish European, 0.000085%; no homozygotes.

Submission:

Labcorp Genetics (formerly Invitae), Labcorp
Classification: Uncertain significance for Perlman syndrome. Last evaluated: 2023-05-22. Review status: criteria provided, single submitter. Criteria: Invitae Variant Classification Sherloc (09022015). Collection method: clinical testing. Allele origin: germline.
Comment: In summary, the available evidence is currently insufficient to determine the role of this variant in disease. Therefore, it has been classified as a Variant of Uncertain Significance. Advanced modeling of protein sequence and biophysical properties (such as structural, functional, and spatial information, amino acid conservation, physicochemical variation, residue mobility, and thermodynamic stability) performed at Invitae indicates that this missense variant is not expected to disrupt DIS3L2 protein function. ClinVar contains an entry for this variant (Variation ID: 2175873). This variant has not been reported in the literature in individuals affected with DIS3L2-related conditions. This variant is not present in population databases (gnomAD no frequency). This sequence change replaces isoleucine, which is neutral and non-polar, with valine, which is neutral and non-polar, at codon 305 of the DIS3L2 protein (p.Ile305Val).